The following is an entry in ClinVar:

NM_018718.3(CEP41):c.754G>A (p.Gly252Arg)

Gene: CEP41 (centrosomal protein 41; minus strand). Cytogenetic location: 7q32.2.
Variant type: single nucleotide variant.
Coding change: c.754G>A on transcript NM_018718.3 (MANE Select); coding-DNA position 754, G replaced by A.
Protein change: p.Gly252Arg; replaces glycine 252 with arginine.
Molecular consequence: missense variant. On other transcripts: non-coding transcript variant (1).
Genome position (GRCh38, 1-based): chr7:130,400,710, C>T on the plus strand (G>A on the coding strand, the complement: CEP41 is on the minus strand). VCF-style: chr7-130400710-C-T. GRCh37 (hg19) VCF-style: chr7-130040551-C-T.
Other names: c.754G>A (NM_018718.1); c.754G>A, p.Gly252Arg (NM_001257158.2); c.706G>A, p.Gly236Arg (NM_001257159.2); short protein forms G252R, G236R.
Identifiers: ClinVar variation 391647 (VCV000391647.15), dbSNP rs201834429, ClinGen allele CA4485478.

ClinVar aggregate classification (germline): Conflicting classifications of pathogenicity. Review status: criteria provided, conflicting classifications (1 of 4 stars). 6 submissions from 6 submitters: Likely pathogenic (1); Uncertain significance (5). Last evaluated 2026-01-12.

Conditions:
Inborn genetic diseases. Identifiers: MedGen C0950123, MeSH D030342.
Joubert syndrome 15 (JBTS15). Identifiers: Orphanet 475, MedGen C3280897, MONDO:0013763, OMIM 614464.
Congenital stationary night blindness 2A (CSNB2A). Also called: NIGHT BLINDNESS, CONGENITAL STATIONARY, TYPE 2; CACNA1F-Related X-Linked Congenital Stationary Night Blindness; CSNB, INCOMPLETE, X-LINKED; Night blindness, congenital stationary (incomplete), 2A, X-linked. Identifiers: Orphanet 215, MedGen C1848172, MONDO:0010241, OMIM 300071.
CEP41-related disorder. Also called: CEP41-related condition.

Allele frequency attached by ClinVar (database versions not stated): gnomAD 0.00009 and 0.00013; gnomAD exomes 0.00019 and 0.00011; 1000 Genomes Project 0.00020; TOPMed 0.00011; ExAC 0.00040; 1000 Genomes Project 30x 0.00016; ESP Exome Variant Server 0.00008.
gnomAD v4.1: 198 of 1,602,834 alleles (0.012%); highest among the groups gnomAD compares: East Asian, 0.056%; 1 homozygote.

Submissions (7):

Labcorp Genetics (formerly Invitae), Labcorp
Classification: Uncertain significance for Joubert syndrome 15. Last evaluated: 2026-01-12. Review status: criteria provided, single submitter. Criteria: Invitae Variant Classification Sherloc (09022015). Collection method: clinical testing. Allele origin: germline.
Comment: This sequence change replaces glycine, which is neutral and non-polar, with arginine, which is basic and polar, at codon 252 of the CEP41 protein (p.Gly252Arg). This variant is present in population databases (rs201834429, gnomAD 0.05%). This variant has not been reported in the literature in individuals affected with CEP41-related conditions. ClinVar contains an entry for this variant (Variation ID: 391647). Invitae Evidence Modeling of protein sequence and biophysical properties (such as structural, functional, and spatial information, amino acid conservation, physicochemical variation, residue mobility, and thermodynamic stability) indicates that this missense variant is expected to disrupt CEP41 protein function with a positive predictive value of 80%. In summary, the available evidence is currently insufficient to determine the role of this variant in disease. Therefore, it has been classified as a Variant of Uncertain Significance.

PreventionGenetics, part of Exact Sciences
Classification: Uncertain significance for CEP41-related condition. Last evaluated: 2024-12-23. Review status: criteria provided, single submitter. Criteria: ACMG Guidelines, 2015. Collection method: clinical testing. Allele origin: germline.
Comment: The CEP41 c.754G>A variant is predicted to result in the amino acid substitution p.Gly252Arg. To our knowledge, this variant has not been reported in the literature. This variant is reported in 0.050% of alleles in individuals of East Asian descent in gnomAD. Although we suspect that this variant may be benign, at this time, the clinical significance of this variant is uncertain due to the absence of conclusive functional and genetic evidence.

Ambry Genetics
Classification: Uncertain significance for Inborn genetic diseases. Last evaluated: 2022-11-10. Review status: criteria provided, single submitter. Criteria: Ambry Variant Classification Scheme 2023. Collection method: clinical testing. Allele origin: germline.

GeneDx
Classification: Uncertain significance. Last evaluated: 2018-11-26. Review status: criteria provided, single submitter. Criteria: GeneDx Variant Classification (06012015). Collection method: clinical testing. Allele origin: germline. Affected: yes.
Comment: A variant of uncertain significance has been identified in the CEP41 gene. The G252R variant has not been published as a pathogenic variant, nor has it been reported as a benign variant to our knowledge. The G252R variant is observed in 9/18774 (0.05%) alleles from individuals of East Asian background (Lek et al., 2016). The G252R variant is a non-conservative amino acid substitution, which is likely to impact secondary protein structure as these residues differ in polarity, charge, size and/or other properties. In-silico analyses, including protein predictors and evolutionary conservation, support a deleterious effect. Based on the currently available information, it is unclear whether this variant is a pathogenic variant or a rare benign variant.

Illumina Laboratory Services, Illumina
Classification: Uncertain significance for Joubert syndrome 15. Last evaluated: 2018-01-13. Review status: criteria provided, single submitter. Criteria: ICSL Variant Classification Criteria 13 December 2019. Collection method: clinical testing. Allele origin: germline.

Ningxia Clinical Research Institute, People's Hospital of Ningxia Hui Autonomous Region
Classification: Likely pathogenic for Congenital stationary night blindness 2A. Review status: criteria provided, single submitter. Criteria: ACMG Guidelines, 2015. Collection method: clinical testing. Allele origin: inherited. Inheritance: Autosomal recessive inheritance. Affected: yes.
Comment: This variant was extremely rare or absent in Asian population datasets from the Exome Aggregation Consortium (ExAC), the Genome Aggregation Database (gnomAD), and the 1000 Genomes Project (PM2). This variant was reported to cosegregate with the disease phenotype in the family (PM3). Multiple bioinformatic analyses, including cross-species conservation analysis, supported a deleterious effect (PP3), and the proband's neurological phenotype (MTS with motor incoordination and mild developmental delay) was consistent with JBTS (PP4). Under the American College of Medical Genetics and Genomics/Association for Molecular Pathology (ACMG/AMP) variant interpretation framework, both variants were classified as likely pathogenic on the basis of PM2 + PM3+ PP3 + PP4.

Dr. Peter K. Rogan Lab, Western University
No classification provided (evidence only). Condition: Adrenocortical carcinoma, hereditary. Review status: no classification provided. Collection method: in vitro. Allele origin: not applicable. Functional consequence: retained intron. Not counted in ClinVar's aggregate classification.